The following is an entry in ClinVar:

ClinVar aggregate classification (germline): Uncertain significance. Review status: criteria provided, multiple submitters, no conflicts (2 of 4 stars). 2 submissions from 2 submitters: Uncertain significance (2). Last evaluated 2025-08-22.

Conditions:
Inborn genetic diseases. Identifiers: MedGen C0950123, MeSH D030342.

Allele frequency attached by ClinVar (database versions not stated): ExAC 0.00001; gnomAD exomes 0.00001; gnomAD 0.00002; TOPMed 0.00002.
gnomAD v4.1: 20 of 1,613,812 alleles (0.0012%); highest among the groups gnomAD compares: Admixed American, 0.0033%; no homozygotes.

Submissions (2):

Ambry Genetics
Classification: Uncertain significance for Inborn genetic diseases. Last evaluated: 2025-08-22. Review status: criteria provided, single submitter. Criteria: Ambry Variant Classification Scheme 2023. Collection method: clinical testing. Allele origin: germline.

GeneDx
Classification: Uncertain significance. Last evaluated: 2016-12-24. Review status: criteria provided, single submitter. Criteria: GeneDx Variant Classification (06012015). Collection method: clinical testing. Allele origin: germline. Affected: yes.
Comment: The R821H variant in the ADAMTS10 gene has not been reported previously as a pathogenic variant, nor as a benign variant, to our knowledge. The R821H variant was not observed in approximately 6500 individuals of European and African American ancestry in the NHLBI Exome Sequencing Project, indicating it is not a common benign variant in these populations. The R821H variant is a conservative amino acid substitution, which is not likely to impact secondary protein structure as these residues share similar properties. This substitution occurs at a position that is not conserved. However, in silico analysis predicts this variant is probably damaging to the protein structure/function. We interpret R821H as a variant of uncertain significance.

NM_030957.4(ADAMTS10):c.2462G>A (p.Arg821His)

Gene: ADAMTS10 (ADAM metallopeptidase with thrombospondin type 1 motif 10; minus strand). Cytogenetic location: 19p13.2.
Variant type: single nucleotide variant.
Coding change: c.2462G>A on transcript NM_030957.4 (MANE Select); coding-DNA position 2462, G replaced by A.
Protein change: p.Arg821His; replaces arginine 821 with histidine.
Molecular consequence: missense variant.
Genome position (GRCh38, 1-based): chr19:8,586,412, C>T on the plus strand (G>A on the coding strand, the complement: ADAMTS10 is on the minus strand). VCF-style: chr19-8586412-C-T. GRCh37 (hg19) VCF-style: chr19-8651296-C-T.
Other names: c.923G>A, p.Arg308His (NM_001282352.2); c.2462G>A (NM_030957.2); short protein forms R821H, R308H.
Identifiers: ClinVar variation 391605 (VCV000391605.3), dbSNP rs782081097, ClinGen allele CA9160095.